The following is an entry in ClinVar:

NM_000083.3(CLCN1):c.554A>G (p.Gln185Arg)

Gene: CLCN1 (chloride voltage-gated channel 1; plus strand). Cytogenetic location: 7q34.
Variant type: single nucleotide variant.
Coding change: c.554A>G on transcript NM_000083.3 (MANE Select); coding-DNA position 554, A replaced by G.
Protein change: p.Gln185Arg; replaces glutamine 185 with arginine.
Molecular consequence: missense variant. On other transcripts: non-coding transcript variant (1).
Genome position (GRCh38, 1-based): chr7:143,321,485, A>G. VCF-style: chr7-143321485-A-G. GRCh37 (hg19) VCF-style: chr7-143018578-A-G.
Other names: c.554A>G (NM_000083.2); short protein forms Q185R.
Identifiers: ClinVar variation 1053976 (VCV001053976.10), dbSNP rs1802432204, ClinGen allele CA369684060.

ClinVar aggregate classification (germline): Uncertain significance. Review status: criteria provided, multiple submitters, no conflicts (2 of 4 stars). 2 submissions from 2 submitters: Uncertain significance (2). Last evaluated 2024-12-04.

Conditions:
Congenital myotonia, autosomal dominant form (THD). Also called: THOMSEN DISEASE; Myotonia congenita autosomal dominant. Identifiers: Orphanet 614, MedGen C2936781, MONDO:0008055, OMIM 160800.
Congenital myotonia, autosomal recessive form. Also called: Becker Generalized Myotonia; myotonia congenita, autosomal recessive; BECKER DISEASE. Identifiers: Orphanet 614, MedGen C0751360, MONDO:0009715, OMIM 255700.
Inborn genetic diseases. Identifiers: MedGen C0950123, MeSH D030342.

Allele frequency attached by ClinVar (database versions not stated): TOPMed below 0.00001; gnomAD 0.00001.
gnomAD v4.1: 1 of 1,613,786 alleles (0.000062%); highest among the groups gnomAD compares: Non-Finnish European, 0.000085%; no homozygotes.

Submissions (2):

Ambry Genetics
Classification: Uncertain significance for Inborn genetic diseases. Last evaluated: 2024-12-04. Review status: criteria provided, single submitter. Criteria: Ambry Variant Classification Scheme 2023. Collection method: clinical testing. Allele origin: germline.

Labcorp Genetics (formerly Invitae), Labcorp
Classification: Uncertain significance for Congenital myotonia, autosomal recessive form; Congenital myotonia, autosomal dominant form. Last evaluated: 2020-08-05. Review status: criteria provided, single submitter. Criteria: Invitae Variant Classification Sherloc (09022015). Collection method: clinical testing. Allele origin: germline.
Comment: In summary, the available evidence is currently insufficient to determine the role of this variant in disease. Therefore, it has been classified as a Variant of Uncertain Significance. Algorithms developed to predict the effect of missense changes on protein structure and function are either unavailable or do not agree on the potential impact of this missense change (SIFT: "Deleterious"; PolyPhen-2: "Probably Damaging"; Align-GVGD: "Class C0"). This variant has not been reported in the literature in individuals with CLCN1-related conditions. This variant is not present in population databases (ExAC no frequency). This sequence change replaces glutamine with arginine at codon 185 of the CLCN1 protein (p.Gln185Arg). The glutamine residue is highly conserved and there is a small physicochemical difference between glutamine and arginine.